The following is an entry in ClinVar:

NM_020433.5(JPH2):c.323G>A (p.Gly108Asp)

Gene: JPH2 (junctophilin 2; minus strand). Cytogenetic location: 20q13.12.
Variant type: single nucleotide variant.
Coding change: c.323G>A on transcript NM_020433.5 (MANE Select); coding-DNA position 323, G replaced by A.
Protein change: p.Gly108Asp; replaces glycine 108 with aspartic acid.
Molecular consequence: missense variant.
Genome position (GRCh38, 1-based): chr20:44,186,383, C>T on the plus strand (G>A on the coding strand, the complement: JPH2 is on the minus strand). VCF-style: chr20-44186383-C-T. GRCh37 (hg19) VCF-style: chr20-42815023-C-T.
Other names: c.323G>A, p.Gly108Asp (NM_175913.4); short protein forms G108D.
Identifiers: ClinVar variation 1677381 (VCV001677381.3), dbSNP rs2145905825, ClinGen allele CA409095043.

ClinVar aggregate classification (germline): Uncertain significance. Review status: criteria provided, multiple submitters, no conflicts (2 of 4 stars). 2 submissions from 2 submitters: Uncertain significance (2). Last evaluated 2024-12-14.

Submissions (2):

Dasa
Classification: Uncertain significance. Last evaluated: 2024-12-14. Review status: criteria provided, single submitter. Criteria: DASA Assertion Criteria. Collection method: clinical testing. Allele origin: germline.
Comment: NM_020433.5(JPH2):c.323G>A (p.Gly108Asp) is a missense variant that results in the substitution of glycine with aspartic acid. This variant is absent from population databases. Computational prediction algorithms are consistent with a deleterious effect. The currently available literature and clinical evidence are not sufficient to establish a definitive association between this variant and the reported condition. Therefore, this variant is classified as a variant of uncertain significance.

AiLife Diagnostics
Classification: Uncertain significance. Last evaluated: 2021-07-21. Review status: criteria provided, single submitter. Criteria: ACMG Guidelines, 2015. Collection method: clinical testing. Allele origin: germline. Affected: yes. Observed: 1 variant allele.